The following is an entry in ClinVar:

ClinVar aggregate classification (germline): Likely benign. Review status: criteria provided, multiple submitters, no conflicts (2 of 4 stars). 5 submissions from 5 submitters: Likely benign (5). Last evaluated 2025-04-26.

Conditions:
Cardiovascular phenotype. Identifiers: MedGen CN230736.
Cardiomyopathy (CMYO). Also called: Cardiomyopathies. Identifiers: Orphanet 167848, MedGen C0878544, MONDO:0004994, HP:0001638. Inheritance: Various modes of inheritance.
Hypertrophic cardiomyopathy. Also called: HYPERTROPHIC MYOCARDIOPATHY. Identifiers: Orphanet 217569, MedGen C0007194, MeSH D002312, MONDO:0005045, HP:0001639.

Allele frequency attached by ClinVar (database versions not stated): gnomAD 0.00001; gnomAD exomes 0.00001; TOPMed 0.00002.
gnomAD v4.1: 13 of 1,612,670 alleles (0.00081%); highest among the groups gnomAD compares: Admixed American, 0.0033%; no homozygotes.

Submissions (5):

Labcorp Genetics (formerly Invitae), Labcorp
Classification: Likely benign for Hypertrophic cardiomyopathy. Last evaluated: 2025-04-26. Review status: criteria provided, single submitter. Criteria: Invitae Variant Classification Sherloc (09022015). Collection method: clinical testing. Allele origin: germline.

All of Us Research Program, National Institutes of Health
Classification: Likely benign for Hypertrophic cardiomyopathy. Last evaluated: 2023-12-13. Review status: criteria provided, single submitter. Criteria: ACMG Guidelines, 2015. Collection method: clinical testing. Allele origin: germline. Inheritance: Autosomal dominant inheritance. Observed: 2 variant alleles, 2 heterozygotes.
Comment: This study involves interpretation of variants in research participants for the purpose of population health screening. Participant phenotype was not available at the time of variant classification. Additional details can be found in publication PMID: 35346344, PMCID: PMC8962531

Ambry Genetics
Classification: Likely benign for Cardiovascular phenotype. Last evaluated: 2021-01-21. Review status: criteria provided, single submitter. Criteria: Ambry Variant Classification Scheme 2023. Collection method: clinical testing. Allele origin: germline.

Blueprint Genetics
Classification: Likely benign. Last evaluated: 2020-10-30. Review status: criteria provided, single submitter. Criteria: ACMG Guidelines, 2015. Collection method: clinical testing. Allele origin: germline.

Color Diagnostics, LLC DBA Color Health
Classification: Likely benign for Cardiomyopathy. Last evaluated: 2019-07-09. Review status: criteria provided, single submitter. Criteria: ACMG Guidelines, 2015. Collection method: clinical testing. Allele origin: germline.

NM_000256.3(MYBPC3):c.570G>A (p.Lys190=)

Gene: MYBPC3 (myosin binding protein C3; minus strand). Cytogenetic location: 11p11.2.
Variant type: single nucleotide variant.
Coding change: c.570G>A on transcript NM_000256.3 (MANE Select); coding-DNA position 570, G replaced by A.
Protein change: p.Lys190=; no amino-acid change (lysine 190 retained).
Molecular consequence: synonymous variant.
Genome position (GRCh38, 1-based): chr11:47,349,858, C>T on the plus strand (G>A on the coding strand, the complement: MYBPC3 is on the minus strand). VCF-style: chr11-47349858-C-T. GRCh37 (hg19) VCF-style: chr11-47371409-C-T.
Identifiers: ClinVar variation 918271 (VCV000918271.10), dbSNP rs932721415, ClinGen allele CA221706669.